The following is an entry in ClinVar:

NM_004168.4(SDHA):c.1064+3G>C

Gene: SDHA (succinate dehydrogenase complex flavoprotein subunit A; plus strand). Cytogenetic location: 5p15.33.
Variant type: single nucleotide variant.
Coding change: c.1064+3G>C on transcript NM_004168.4 (MANE Select); 3 bases into the intron after coding-DNA position 1064, G replaced by C.
Molecular consequence: intron variant.
Genome position (GRCh38, 1-based): chr5:233,648, G>C. VCF-style: chr5-233648-G-C. GRCh37 (hg19) VCF-style: chr5-233763-G-C.
Other names: c.1064+3G>C (NM_004168.2, NM_001330758.2); c.920+3G>C (NM_001294332.2).
Identifiers: ClinVar variation 1948716 (VCV001948716.6), dbSNP rs1553999078, ClinGen allele CA2580073113.

ClinVar aggregate classification (germline): Uncertain significance. Review status: criteria provided, multiple submitters, no conflicts (2 of 4 stars). 2 submissions from 2 submitters: Uncertain significance (2). Last evaluated 2024-08-05.

Conditions:
Mitochondrial complex II deficiency, nuclear type 1. Also called: SUCCINATE CoQ REDUCTASE DEFICIENCY. Identifiers: Orphanet 3208, MedGen C5700310, MONDO:0100294, OMIM 252011.
Pheochromocytoma/paraganglioma syndrome 5. Also called: Paragangliomas 5; SDHA-Related Hereditary Paraganglioma-Pheochromocytoma Syndrome. Identifiers: Orphanet 29072, MedGen C3279992, MONDO:0013602, OMIM 614165.
Hereditary cancer-predisposing syndrome. Also called: Tumor predisposition; Hereditary Cancer Syndrome; Hereditary neoplastic syndrome; Neoplastic Syndromes, Hereditary. Identifiers: Orphanet 140162, MedGen C0027672, MeSH D009386, MONDO:0015356.

Submissions (2):

Ambry Genetics
Classification: Uncertain significance for Hereditary cancer-predisposing syndrome. Last evaluated: 2024-08-05. Review status: criteria provided, single submitter. Criteria: Ambry Variant Classification Scheme 2023. Collection method: clinical testing. Allele origin: germline.
Comment: The c.1064+3G>C intronic variant results from a G to C substitution 3 nucleotides after coding exon 8 in the SDHA gene. This nucleotide position is poorly conserved in available vertebrate species. In silico splice site analysis predicts that this alteration will not have any significant effect on splicing. Based on the available evidence, the clinical significance of this variant remains unclear.

Labcorp Genetics (formerly Invitae), Labcorp
Classification: Uncertain significance for Pheochromocytoma/paraganglioma syndrome 5; Mitochondrial complex II deficiency, nuclear type 1. Last evaluated: 2022-10-30. Review status: criteria provided, single submitter. Criteria: Invitae Variant Classification Sherloc (09022015). Collection method: clinical testing. Allele origin: germline.
Comment: In summary, the available evidence is currently insufficient to determine the role of this variant in disease. Therefore, it has been classified as a Variant of Uncertain Significance. Variants that disrupt the consensus splice site are a relatively common cause of aberrant splicing (PMID: 17576681, 9536098). Algorithms developed to predict the effect of sequence changes on RNA splicing suggest that this variant may create or strengthen a splice site. This variant has not been reported in the literature in individuals affected with SDHA-related conditions. This variant is not present in population databases (gnomAD no frequency). This sequence change falls in intron 8 of the SDHA gene. It does not directly change the encoded amino acid sequence of the SDHA protein. It affects a nucleotide within the consensus splice site.

Literature cited by the submitters: PubMed 17576681 (cited by Labcorp Genetics (formerly Invitae), Labcorp); PubMed 9536098 (cited by Labcorp Genetics (formerly Invitae), Labcorp).